The following is an entry in ClinVar:

NM_003200.5(TCF3):c.39C>G (p.Asp13Glu)

Gene: TCF3 (transcription factor 3; minus strand). Cytogenetic location: 19p13.3.
Variant type: single nucleotide variant.
Coding change: c.39C>G on transcript NM_003200.5 (MANE Select); coding-DNA position 39, C replaced by G.
Protein change: p.Asp13Glu; replaces aspartic acid 13 with glutamic acid.
Molecular consequence: missense variant.
Genome position (GRCh38, 1-based): chr19:1,650,210, G>C on the plus strand (C>G on the coding strand, the complement: TCF3 is on the minus strand). VCF-style: chr19-1650210-G-C. GRCh37 (hg19) VCF-style: chr19-1650209-G-C.
Other names: c.39C>G, p.Asp13Glu (NM_001136139.4, NM_001351778.2, NM_001351779.2); short protein forms D13E.
Identifiers: ClinVar variation 4848541 (VCV004848541.1).
Genomic context (GRCh38, chr19:1,650,210, plus strand): 5'-GGGGGCTGGGCGGGGGTCCTGGCTCACCATGCTGAAGTCCAGGAGGTCACTGAGCTCCTT[G>C]TCTGTGCCCACAGGCGCCATCCTCTGCGGCTGGTTCATTCTCCTGGGGCCAGGGCGGGCA-3'
Protein context (NP_003191.1, residues 3-23): QPQRMAPVGT[Asp13Glu]KELSDLLDFS

ClinVar aggregate classification (germline): Uncertain significance (1 of 4 stars; one submission).

gnomAD v4.1: 4 of 1,573,672 alleles (0.00025%); highest among the groups gnomAD compares: Non-Finnish European, 0.00034%; no homozygotes.

Submission:

Women's Health and Genetics/Laboratory Corporation of America, LabCorp
Classification: Uncertain significance. Last evaluated: 2026-04-15. Review status: criteria provided, single submitter. Criteria: LabCorp Variant Classification Summary - May 2015. Collection method: clinical testing. Allele origin: germline.
Comment: Variant summary: TCF3 c.39C>G (p.Asp13Glu) results in a conservative amino acid change in the encoded protein sequence. Algorithms developed to predict the effect of missense changes on protein structure and function are either unavailable or do not agree on the potential impact of this missense change. The frequency data for this variant in gnomAD is considered unreliable, as metrics indicate poor data quality at this position. To our knowledge, no occurrence of c.39C>G in individuals affected with TCF3-related conditions and no experimental evidence demonstrating its impact on protein function have been reported. No submitters have cited clinical-significance assessments for this variant to ClinVar. Based on the evidence outlined above, the variant was classified as uncertain significance.